The following is an entry in ClinVar:

ClinVar aggregate classification (germline): Likely benign (1 of 4 stars; one submission).

gnomAD v4.1: 174 of 1,613,912 alleles (0.011%); highest among the groups gnomAD compares: Middle Eastern, 0.016%; no homozygotes.

Submission:

CeGaT Center for Human Genetics Tuebingen
Classification: Likely benign. Last evaluated: 2025-10-01. Review status: criteria provided, single submitter. Criteria: CeGaT Center For Human Genetics Tuebingen Variant Classification Criteria Version 2. Collection method: clinical testing. Allele origin: germline. Affected: yes. Observed: 1 variant allele.
Comment: DSCAM: BP4, BP7

NM_001389.5(DSCAM):c.3252C>T (p.Leu1084=)

Gene: DSCAM (DS cell adhesion molecule; minus strand). Cytogenetic location: 21q22.2.
Variant type: single nucleotide variant.
Coding change: c.3252C>T on transcript NM_001389.5 (MANE Select); coding-DNA position 3252, C replaced by T.
Protein change: p.Leu1084=; no amino-acid change (leucine 1084 retained).
Molecular consequence: synonymous variant. On other transcripts: non-coding transcript variant (1).
Genome position (GRCh38, 1-based): chr21:40,144,498, G>A on the plus strand (C>T on the coding strand, the complement: DSCAM is on the minus strand). VCF-style: chr21-40144498-G-A. GRCh37 (hg19) VCF-style: chr21-41516425-G-A.
Other names: c.3252C>T, p.Leu1084= (NM_001271534.3).
Identifiers: ClinVar variation 4533872 (VCV004533872.6).